The following is an entry in ClinVar:

NM_001267550.2(TTN):c.51633A>T (p.Gly17211=)

Genes: TTN-AS1 (TTN antisense RNA 1; plus strand), TTN (titin; minus strand). Cytogenetic location: 2q31.2.
Variant type: single nucleotide variant.
Coding change: c.51633A>T on transcript NM_001267550.2 (MANE Select); coding-DNA position 51633, A replaced by T.
Protein change: p.Gly17211=; no amino-acid change (glycine 17211 retained).
Molecular consequence: synonymous variant.
Genome position (GRCh38, 1-based): chr2:178,609,790, T>A on the plus strand (A>T on the coding strand, the complement: TTN is on the minus strand). VCF-style: chr2-178609790-T-A. GRCh37 (hg19) VCF-style: chr2-179474517-T-A.
Other names: c.46710A>T, p.Gly15570= (NM_001256850.1); c.24438A>T, p.Gly8146= (NM_003319.4); c.43929A>T, p.Gly14643= (NM_133378.4); c.24813A>T, p.Gly8271= (NM_133432.3); c.25014A>T, p.Gly8338= (NM_133437.4).
Identifiers: ClinVar variation 659617 (VCV000659617.4), dbSNP rs879091553, ClinGen allele CA430271776.
Genomic context (GRCh38, chr2:178,609,790, plus strand): 5'-ACTAATACCCGCGGCGTTCTCTGCTCGCACACGGAATTGGTACTCTTTCCCCTCTTCAAG[T>A]CCTTTTGCTGTATAGGTCAGGATTGGTACCAGGTGTTCATTGCATCTCTTCCACCTTTCT-3'
Protein context (NP_001254479.2, residues 17201-17221): LVPILTYTAK[Gly17211=]LEEGKEYQFR

ClinVar aggregate classification (germline): Conflicting classifications of pathogenicity. Review status: criteria provided, conflicting classifications (1 of 4 stars). 2 submissions from 2 submitters: Uncertain significance (1); Likely benign (1). Last evaluated 2022-12-11.

Conditions:
Cardiovascular phenotype. Identifiers: MedGen CN230736.
Dilated cardiomyopathy 1G (CMD1G). Identifiers: Orphanet 154, MedGen C1858763, MONDO:0011400, OMIM 604145.
Autosomal recessive limb-girdle muscular dystrophy type 2J (LGMDR10). Also called: Limb-girdle muscular dystrophy, type 2J; MUSCULAR DYSTROPHY, LIMB-GIRDLE, AUTOSOMAL RECESSIVE 10. Identifiers: Orphanet 140922, MedGen C1837342, MONDO:0012127, OMIM 608807.

Allele frequency attached by ClinVar (database versions not stated): gnomAD exomes below 0.00001.
gnomAD v4.1: 2 of 1,612,914 alleles (0.00012%); highest among the groups gnomAD compares: East Asian, 0.0045%; no homozygotes.

Submissions (2):

Ambry Genetics
Classification: Likely benign for Cardiovascular phenotype. Last evaluated: 2022-12-11. Review status: criteria provided, single submitter. Criteria: Ambry Variant Classification Scheme 2023. Collection method: clinical testing. Allele origin: germline.

Labcorp Genetics (formerly Invitae), Labcorp
Classification: Uncertain significance for Dilated cardiomyopathy 1G; Autosomal recessive limb-girdle muscular dystrophy type 2J. Last evaluated: 2018-07-09. Review status: criteria provided, single submitter. Criteria: Invitae Variant Classification Sherloc (09022015). Collection method: clinical testing. Allele origin: germline.
Comment: This sequence change affects codon 17211 of the TTN mRNA. It is a 'silent' change, meaning that it does not change the encoded amino acid sequence of the TTN protein. This variant is not present in population databases (ExAC no frequency). This variant has not been reported in the literature in individuals with TTN-related disease. This variant is located in the A band of TTN (PMID: 25589632). Variants in this region may be relevant for cardiac or neuromuscular disorders (PMID: 25589632, 23975875). Algorithms developed to predict the effect of sequence changes on RNA splicing suggest that this variant may create or strengthen a splice site, but this prediction has not been confirmed by published transcriptional studies. In summary, the available evidence is currently insufficient to determine the role of this variant in disease. Therefore, it has been classified as a Variant of Uncertain Significance.

Literature cited by the submitters: PubMed 25589632 (cited by Labcorp Genetics (formerly Invitae), Labcorp); PubMed 23975875 (cited by Labcorp Genetics (formerly Invitae), Labcorp).